The following is an entry in ClinVar:

ClinVar aggregate classification (germline): Uncertain significance (1 of 4 stars; one submission).

Allele frequency attached by ClinVar (database versions not stated): gnomAD 0.00002; gnomAD exomes 0.00002; ExAC 0.00003; TOPMed 0.00003; 1000 Genomes Project 30x 0.00031; 1000 Genomes Project 0.00040.
gnomAD v4.1: 15 of 1,612,396 alleles (0.00093%); highest among the groups gnomAD compares: Admixed American, 0.018%; no homozygotes.

Submission:

Labcorp Genetics (formerly Invitae), Labcorp
Classification: Uncertain significance. Last evaluated: 2025-11-17. Review status: criteria provided, single submitter. Criteria: Invitae Variant Classification Sherloc (09022015). Collection method: clinical testing. Allele origin: germline.
Comment: This sequence change replaces glycine, which is neutral and non-polar, with glutamic acid, which is acidic and polar, at codon 929 of the IGF1R protein (p.Gly929Glu). This variant is present in population databases (rs190470291, gnomAD 0.02%). This variant has not been reported in the literature in individuals affected with IGF1R-related conditions. ClinVar contains an entry for this variant (Variation ID: 2172230). Invitae Evidence Modeling of protein sequence and biophysical properties (such as structural, functional, and spatial information, amino acid conservation, physicochemical variation, residue mobility, and thermodynamic stability) indicates that this missense variant is not expected to disrupt IGF1R protein function with a negative predictive value of 80%. In summary, the available evidence is currently insufficient to determine the role of this variant in disease. Therefore, it has been classified as a Variant of Uncertain Significance.

NM_000875.5(IGF1R):c.2786G>A (p.Gly929Glu)

Gene: IGF1R (insulin like growth factor 1 receptor; plus strand). Cytogenetic location: 15q26.3.
Variant type: single nucleotide variant.
Coding change: c.2786G>A on transcript NM_000875.5 (MANE Select); coding-DNA position 2786, G replaced by A.
Protein change: p.Gly929Glu; replaces glycine 929 with glutamic acid.
Molecular consequence: missense variant.
Genome position (GRCh38, 1-based): chr15:98,929,561, G>A. VCF-style: chr15-98929561-G-A. GRCh37 (hg19) VCF-style: chr15-99472790-G-A.
Other names: c.2783G>A, p.Arg928Lys (NM_001291858.2); short protein forms G929E, R928K.
Identifiers: ClinVar variation 2172230 (VCV002172230.4), dbSNP rs190470291, ClinGen allele CA7752519.